The following continues an entry in ClinVar:

NM_015665.6(AAAS):c.1331+1G>A

Gene: AAAS. ClinVar aggregate classification (germline): Pathogenic. Pathogenic (13).

Submissions 11 to 17 of 17:

3billion
Classification: Pathogenic for Glucocorticoid deficiency with achalasia. Last evaluated: 2022-05-22. Review status: criteria provided, single submitter. Criteria: ACMG Guidelines, 2015. Collection method: clinical testing. Allele origin: germline. Affected: yes. Observed: 1 homozygote.
Comment: The variant is observed at an extremely low frequency in the gnomAD v2.1.1 dataset (total allele frequency: 0.005%). Canonical splice site: predicted to alter splicing and result in a loss or disruption of normal protein function through nonsense-mediated decay (NMD) or protein truncation. Multiple pathogenic variants are reported downstream of the variant. The variant has been reported at least twice as pathogenic with clinical assertions and evidence for the classification (ClinVar ID: VCV000264994). Therefore, this variant is classified as pathogenic according to the recommendation of ACMG/AMP guideline.

GeneDx
Classification: Pathogenic. Last evaluated: 2022-04-05. Review status: criteria provided, single submitter. Criteria: GeneDx Variant Classification Process June 2021. Collection method: clinical testing. Allele origin: germline. Affected: yes.
Comment: Canonical splice site variant predicted to result in a null allele in a gene for which loss-of-function is a known mechanism of disease; This variant is associated with the following publications: (PMID: 25525159, 11062474, 27414811, 26595337, 27133709, 27255745, 25247238, 30612286, 31589614, 31130284, 29334914, 29866068)

Genetic Services Laboratory, University of Chicago
Classification: Pathogenic. Last evaluated: 2020-04-12. Review status: criteria provided, single submitter. Criteria: ACMG Guidelines, 2015. Collection method: clinical testing. Allele origin: germline. Affected: yes.
Comment: This sequence change is predicted to affect normal splicing of the AAAS gene and result in an abnormal protein. This sequence change has been previously described in multiple patients with triple-A or Allgrove syndrome in the homozygous state (PMID: 11062474, 11701718, 25247238 and 18261130) and is considered to be a North African founder mutation. mRNA studies have shown that this variant results in skipping of exon 14 and the creation of a frameshift and read through of the stop codon (PMID: 27414811). This sequence change is described in the gnomAD database with a low population frequency of 0.0046% (rs150511103). These collective evidences indicate that this sequence change is pathogenic.

OMIM
Classification: Pathogenic for ACHALASIA-ADDISONIANISM-ALACRIMA SYNDROME. Last evaluated: 2008-04-01. Review status: no assertion criteria provided. Collection method: literature only. Allele origin: germline. Not counted in ClinVar's aggregate classification.

Clinical Genetics DNA and cytogenetics Diagnostics Lab, Erasmus MC, Erasmus Medical Center
Classification: Pathogenic. Review status: no assertion criteria provided. Collection method: clinical testing. Allele origin: germline. Affected: yes. Study: VKGL Data-share Consensus. Not counted in ClinVar's aggregate classification.

Genome Diagnostics Laboratory, Amsterdam University Medical Center
Classification: Pathogenic. Review status: no assertion criteria provided. Collection method: clinical testing. Allele origin: germline. Affected: yes. Study: VKGL Data-share Consensus. Not counted in ClinVar's aggregate classification.

Joint Genome Diagnostic Labs from Nijmegen and Maastricht, Radboudumc and MUMC+
Classification: Pathogenic. Review status: no assertion criteria provided. Collection method: clinical testing. Allele origin: germline. Affected: yes. Study: VKGL Data-share Consensus. Not counted in ClinVar's aggregate classification.

Literature cited by the submitters: PubMed 11062474 (cited by 3 submitters); PubMed 15173230 (cited by Rady Children's Institute for Genomic Medicine, Rady Children's Hospital San Diego and OMIM); PubMed 18261130 (cited by Rady Children's Institute for Genomic Medicine, Rady Children's Hospital San Diego and OMIM); PubMed 20051279 (cited by Rady Children's Institute for Genomic Medicine, Rady Children's Hospital San Diego); PubMed 38585542 (cited by Rady Children's Institute for Genomic Medicine, Rady Children's Hospital San Diego); PubMed 16199547 (cited by Labcorp Genetics (formerly Invitae), Labcorp); PubMed 11159947 (cited by Labcorp Genetics (formerly Invitae), Labcorp); PubMed 26595337 (cited by 3 submitters); PubMed 27133709 (cited by Labcorp Genetics (formerly Invitae), Labcorp); PubMed 29866068 (cited by Dasa); PubMed 27414811 (cited by Women's Health and Genetics/Laboratory Corporation of America, LabCorp); PubMed 11701718 (cited by OMIM).